The following is an entry in ClinVar:

ClinVar aggregate classification (germline): Uncertain significance (1 of 4 stars; one submission).

Submission:

Women's Health and Genetics/Laboratory Corporation of America, LabCorp
Classification: Uncertain significance. Last evaluated: 2026-06-01. Review status: criteria provided, single submitter. Criteria: LabCorp Variant Classification Summary - May 2015. Collection method: clinical testing. Allele origin: germline.
Comment: Variant summary: The variant involves the deletion of exons 1-6 in the SFTPA2 gene. A presumed nomenclature of c.(?_-98)_(*1358_?)del has been designated for the purposes of this classification. This deletion includes the entire coding sequence of the gene. As the exact proximal and distal breakpoints are unknown, it may extend beyond the annotated region of the gene to include other flanking genes. Current evidence is not sufficient to establish loss of function as a mechanism for disease. The variant allele was found at a frequency of 4.6e-05 in 21548 control chromosomes. The available data on variant occurrences in the general population are insufficient to allow any conclusion about variant significance. To our knowledge, no occurrence of c.(?_-98)_(*1358_?)del in individuals affected with SFTPA2-related conditions and no experimental evidence demonstrating its impact on protein function have been reported. No submitters have cited clinical-significance assessments for this variant to ClinVar. Based on the evidence outlined above, the variant was classified as uncertain significance.

NC_000010.10:g.(?_81315607)_(81320164_?)del

Gene: SFTPA2 (surfactant protein A2; minus strand). Cytogenetic location: 10q22.3.
Variant type: Deletion.
Identifiers: ClinVar variation 4887629 (VCV004887629.1).